The following is an entry in ClinVar:

ClinVar aggregate classification (germline): Uncertain significance (1 of 4 stars; one submission).

Conditions:
Capillary malformation-arteriovenous malformation syndrome. Also called: Capillary malformation-arteriovenous malformation. Identifiers: Orphanet 137667, MedGen C1842180, MONDO:0012016.

Submission:

Labcorp Genetics (formerly Invitae), Labcorp
Classification: Uncertain significance for Capillary malformation-arteriovenous malformation syndrome. Last evaluated: 2023-08-14. Review status: criteria provided, single submitter. Criteria: Invitae Variant Classification Sherloc (09022015). Collection method: clinical testing. Allele origin: germline.
Comment: This sequence change replaces phenylalanine, which is neutral and non-polar, with leucine, which is neutral and non-polar, at codon 548 of the RASA1 protein (p.Phe548Leu). This variant is not present in population databases (gnomAD no frequency). This variant has not been reported in the literature in individuals affected with RASA1-related conditions. An algorithm developed to predict the effect of missense changes on protein structure and function (PolyPhen-2) suggests that this variant is likely to be disruptive. In summary, the available evidence is currently insufficient to determine the role of this variant in disease. Therefore, it has been classified as a Variant of Uncertain Significance.

NM_002890.3(RASA1):c.1642T>C (p.Phe548Leu)

Genes: CCNH (cyclin H; minus strand), RASA1 (RAS p21 protein activator 1; plus strand). Cytogenetic location: 5q14.3.
Variant type: single nucleotide variant.
Coding change: c.1642T>C on transcript NM_002890.3 (MANE Select); coding-DNA position 1642, T replaced by C.
Protein change: p.Phe548Leu; replaces phenylalanine 548 with leucine.
Molecular consequence: missense variant. On other transcripts: intron variant (1).
Genome position (GRCh38, 1-based): chr5:87,369,844, T>C. VCF-style: chr5-87369844-T-C. GRCh37 (hg19) VCF-style: chr5-86665661-T-C.
Other names: c.1111T>C, p.Phe371Leu (NM_022650.3); c.933+25200A>G (NM_001364075.2); short protein forms F548L, F371L.
Identifiers: ClinVar variation 2745290 (VCV002745290.3), dbSNP rs1760799945, ClinGen allele CA360371774.